The following is an entry in ClinVar:

NM_024426.6(WT1):c.151G>A (p.Ala51Thr)

Genes: WT1 (WT1 transcription factor; minus strand), LOC107982234 (WT1/WT1-AS bi-directional promoter region; plus strand). Cytogenetic location: 11p13.
Variant type: single nucleotide variant.
Coding change: c.151G>A on transcript NM_024426.6 (MANE Select); coding-DNA position 151, G replaced by A.
Protein change: p.Ala51Thr; replaces alanine 51 with threonine.
Molecular consequence: missense variant. On other transcripts: non-coding transcript variant (1).
Genome position (GRCh38, 1-based): chr11:32,435,210, C>T on the plus strand (G>A on the coding strand, the complement: WT1 is on the minus strand). VCF-style: chr11-32435210-C-T. GRCh37 (hg19) VCF-style: chr11-32456756-C-T.
Other names: c.151G>A, p.Ala51Thr (NM_000378.6, NM_024424.5); c.136G>A (NM_024426.4); short protein forms A51T.
Identifiers: ClinVar variation 1008839 (VCV001008839.9), dbSNP rs1853473868, ClinGen allele CA379966278.

ClinVar aggregate classification (germline): Uncertain significance. Review status: criteria provided, multiple submitters, no conflicts (2 of 4 stars). 3 submissions from 3 submitters: Uncertain significance (3). Last evaluated 2025-09-19.

Conditions:
Wilms tumor 1 (WT1). Also called: Wilms tumor, somatic. Identifiers: Orphanet 654, MedGen CN033288, MONDO:0008679, OMIM 194070.
11p partial monosomy syndrome (WAGR). Also called: WAGR Spectrum Disorder; CHROMOSOME 11p13 DELETION SYNDROME; WAGR syndrome; WAGR Complex. Identifiers: Orphanet 893, MedGen C0206115, MONDO:0008681, OMIM 194072.
Frasier syndrome. Identifiers: Orphanet 347, MedGen C0950122, MeSH D052159, MONDO:0007635, OMIM 136680.
Drash syndrome (DDS). Also called: WILMS TUMOR AND PSEUDO- OR TRUE HERMAPHRODITISM; NEPHROPATHY, WILMS TUMOR, AND GENITAL ANOMALIES. Identifiers: Orphanet 220, MedGen C0950121, MONDO:0008682, OMIM 194080.
Inborn genetic diseases. Identifiers: MedGen C0950123, MeSH D030342.

Allele frequency attached by ClinVar (database versions not stated): TOPMed 0.00001.

Submissions (3):

Ambry Genetics
Classification: Uncertain significance for Inborn genetic diseases. Last evaluated: 2025-09-19. Review status: criteria provided, single submitter. Criteria: Ambry Variant Classification Scheme 2023. Collection method: clinical testing. Allele origin: germline.
Comment: The p.A46T variant (also known as c.136G>A), located in coding exon 1 of the WT1 gene, results from a G to A substitution at nucleotide position 136. The alanine at codon 46 is replaced by threonine, an amino acid with similar properties. This amino acid position is conserved. In addition, this alteration is predicted to be tolerated by in silico analysis. Based on the available evidence, the clinical significance of this variant remains unclear.

Labcorp Genetics (formerly Invitae), Labcorp
Classification: Uncertain significance for Wilms tumor 1; Drash syndrome; 11p partial monosomy syndrome; Frasier syndrome. Last evaluated: 2023-09-19. Review status: criteria provided, single submitter. Criteria: Invitae Variant Classification Sherloc (09022015). Collection method: clinical testing. Allele origin: germline.
Comment: In summary, the available evidence is currently insufficient to determine the role of this variant in disease. Therefore, it has been classified as a Variant of Uncertain Significance. Advanced modeling of protein sequence and biophysical properties (such as structural, functional, and spatial information, amino acid conservation, physicochemical variation, residue mobility, and thermodynamic stability) has been performed at Invitae for this missense variant, however the output from this modeling did not meet the statistical confidence thresholds required to predict the impact of this variant on WT1 protein function. ClinVar contains an entry for this variant (Variation ID: 1008839). This variant has not been reported in the literature in individuals affected with WT1-related conditions. This variant is not present in population databases (gnomAD no frequency). This sequence change replaces alanine, which is neutral and non-polar, with threonine, which is neutral and polar, at codon 46 of the WT1 protein (p.Ala46Thr).

All of Us Research Program, National Institutes of Health
Classification: Uncertain significance for Wilms tumor 1. Last evaluated: 2023-08-15. Review status: criteria provided, single submitter. Criteria: ACMG Guidelines, 2015. Collection method: clinical testing. Allele origin: germline. Inheritance: Autosomal dominant inheritance. Observed: 2 variant alleles, 2 heterozygotes.
Comment: This missense variant replaces alanine with threonine at codon 46 of the WT1 protein. Computational prediction suggests that this variant may not impact protein structure and function (internally defined REVEL score threshold <= 0.5, PMID: 27666373). To our knowledge, functional studies have not been reported for this variant. This variant has not been reported in individuals affected with WT1-related disorders in the literature. This variant has not been identified in the general population by the Genome Aggregation Database (gnomAD). The available evidence is insufficient to determine the role of this variant in disease conclusively. Therefore, this variant is classified as a Variant of Uncertain Significance.

This study involves interpretation of variants in research participants for the purpose of population health screening. Participant phenotype was not available at the time of variant classification. Additional details can be found in publication PMID: 35346344, PMCID: PMC8962531